The following is an entry in ClinVar:

ClinVar aggregate classification (germline): Uncertain significance (1 of 4 stars; one submission).

Conditions:
Congenital dyserythropoietic anemia, type II (CDAN2). Also called: DYSERYTHROPOIETIC ANEMIA, HEMPAS TYPE. Identifiers: Orphanet 98873, MedGen C1306589, MONDO:0009134, OMIM 224100.
Cowden syndrome 7 (CWS7). Identifiers: Orphanet 201, MedGen C4225179, MONDO:0014802, OMIM 616858.

Allele frequency attached by ClinVar (database versions not stated): ExAC 0.00001.
gnomAD v4.1: 2 of 1,614,134 alleles (0.00012%); highest among the groups gnomAD compares: Admixed American, 0.0033%; no homozygotes.

Submission:

Labcorp Genetics (formerly Invitae), Labcorp
Classification: Uncertain significance for Congenital dyserythropoietic anemia, type II; Cowden syndrome 7. Last evaluated: 2023-03-08. Review status: criteria provided, single submitter. Criteria: Invitae Variant Classification Sherloc (09022015). Collection method: clinical testing. Allele origin: germline.
Comment: This sequence change replaces glycine, which is neutral and non-polar, with arginine, which is basic and polar, at codon 285 of the SEC23B protein (p.Gly285Arg). This variant is present in population databases (rs773061065, gnomAD 0.003%). This variant has not been reported in the literature in individuals affected with SEC23B-related conditions. Advanced modeling of protein sequence and biophysical properties (such as structural, functional, and spatial information, amino acid conservation, physicochemical variation, residue mobility, and thermodynamic stability) has been performed at Invitae for this missense variant, however the output from this modeling did not meet the statistical confidence thresholds required to predict the impact of this variant on SEC23B protein function. Algorithms developed to predict the effect of sequence changes on RNA splicing suggest that this variant may disrupt the consensus splice site. In summary, the available evidence is currently insufficient to determine the role of this variant in disease. Therefore, it has been classified as a Variant of Uncertain Significance.

NM_006363.6(SEC23B):c.853G>A (p.Gly285Arg)

Gene: SEC23B (SEC23 homolog B, COPII component; plus strand). Cytogenetic location: 20p11.23.
Variant type: single nucleotide variant.
Coding change: c.853G>A on transcript NM_006363.6 (MANE Select); coding-DNA position 853, G replaced by A.
Protein change: p.Gly285Arg; replaces glycine 285 with arginine.
Molecular consequence: missense variant.
Genome position (GRCh38, 1-based): chr20:18,526,391, G>A. VCF-style: chr20-18526391-G-A. GRCh37 (hg19) VCF-style: chr20-18507035-G-A.
Other names: c.853G>A, p.Gly285Arg (NM_001172745.3, NM_032985.6, NM_032986.5); c.799G>A, p.Gly267Arg (NM_001172746.3); short protein forms G285R, G267R.
Identifiers: ClinVar variation 2944851 (VCV002944851.3), dbSNP rs773061065, ClinGen allele CA9778159.
Genomic context (GRCh38, chr20:18,526,391, plus strand): 5'-TGAGGCTGTATACTTCTAACATGCTGCCATTCGCTATTTTAGGGCACTTTTCCAAACACA[G>A]GAGCCAGGATCATGCTGTTTACTGGAGGTCCCCCTACCCAAGGGCCTGGCATGGTGGTTG-3'
Protein context (NP_006354.2, residues 275-295): GLLEGTFPNT[Gly285Arg]ARIMLFTGGP